The following is an entry in ClinVar:

ClinVar aggregate classification (germline): Uncertain significance. Review status: criteria provided, multiple submitters, no conflicts (2 of 4 stars). 3 submissions from 3 submitters: Uncertain significance (3). Last evaluated 2024-03-24.

Conditions:
Cardiovascular phenotype. Identifiers: MedGen CN230736.
Cardiomyopathy (CMYO). Also called: Cardiomyopathies. Identifiers: Orphanet 167848, MedGen C0878544, MONDO:0004994, HP:0001638. Inheritance: Various modes of inheritance.
Catecholaminergic polymorphic ventricular tachycardia 1. Also called: VENTRICULAR TACHYCARDIA, CATECHOLAMINERGIC POLYMORPHIC, 1, WITH OR WITHOUT ATRIAL DYSFUNCTION AND/OR DILATED CARDIOMYOPATHY; VENTRICULAR TACHYCARDIA, STRESS-INDUCED POLYMORPHIC 1; RYR2-Related Catecholaminergic Polymorphic Ventricular Tachycardia. Identifiers: Orphanet 3286, MedGen C1631597, MONDO:0011484, OMIM 604772.

Allele frequency attached by ClinVar (database versions not stated): gnomAD exomes below 0.00001.
gnomAD v4.1: 1 of 1,613,434 alleles (0.000062%); highest among the groups gnomAD compares: Non-Finnish European, 0.000085%; no homozygotes.

Submissions (3):

Labcorp Genetics (formerly Invitae), Labcorp
Classification: Uncertain significance for Catecholaminergic polymorphic ventricular tachycardia 1. Last evaluated: 2024-03-24. Review status: criteria provided, single submitter. Criteria: Invitae Variant Classification Sherloc (09022015). Collection method: clinical testing. Allele origin: germline.
Comment: This sequence change replaces serine, which is neutral and polar, with proline, which is neutral and non-polar, at codon 2056 of the RYR2 protein (p.Ser2056Pro). This variant is not present in population databases (gnomAD no frequency). This variant has not been reported in the literature in individuals affected with RYR2-related conditions. ClinVar contains an entry for this variant (Variation ID: 1751972). An algorithm developed to predict the effect of missense changes on protein structure and function (PolyPhen-2) suggests that this variant is likely to be disruptive. In summary, the available evidence is currently insufficient to determine the role of this variant in disease. Therefore, it has been classified as a Variant of Uncertain Significance.

Color Diagnostics, LLC DBA Color Health
Classification: Uncertain significance for Cardiomyopathy. Last evaluated: 2024-02-12. Review status: criteria provided, single submitter. Criteria: ACMG Guidelines, 2015. Collection method: clinical testing. Allele origin: germline.
Comment: This missense variant replaces serine with proline at codon 2056 of the RYR2 protein. Computational prediction suggests that this variant may not impact protein structure and function (internally defined REVEL score threshold <= 0.5, PMID: 27666373). To our knowledge, functional studies have not been reported for this variant. This variant has not been reported in individuals affected with RYR2-related disorders in the literature. This variant has not been identified in the general population by the Genome Aggregation Database (gnomAD). The available evidence is insufficient to determine the role of this variant in disease conclusively. Therefore, this variant is classified as a Variant of Uncertain Significance.

Ambry Genetics
Classification: Uncertain significance for Cardiovascular phenotype. Last evaluated: 2022-03-08. Review status: criteria provided, single submitter. Criteria: Ambry Variant Classification Scheme 2023. Collection method: clinical testing. Allele origin: germline.
Comment: The c.6166T>C variant (also known as p.S2056P), located in coding exon 40 of the RYR2 gene, results from a T to C substitution at nucleotide position 6166. The amino acid change results in serine to proline at codon 2056, an amino acid with similar properties. This amino acid position is highly conserved in available vertebrate species. In addition, the in silico prediction for this alteration is inconclusive. Since supporting evidence is limited at this time, the clinical significance of this alteration remains unclear.

NM_001035.3(RYR2):c.6166T>C (p.Ser2056Pro)

Gene: RYR2 (ryanodine receptor 2; plus strand). Cytogenetic location: 1q43.
Variant type: single nucleotide variant.
Coding change: c.6166T>C on transcript NM_001035.3 (MANE Select); coding-DNA position 6166, T replaced by C.
Protein change: p.Ser2056Pro; replaces serine 2056 with proline.
Molecular consequence: missense variant.
Genome position (GRCh38, 1-based): chr1:237,625,804, T>C. VCF-style: chr1-237625804-T-C. GRCh37 (hg19) VCF-style: chr1-237789104-T-C.
Other names: short protein forms S2056P.
Identifiers: ClinVar variation 1751972 (VCV001751972.5), dbSNP rs2546874435, ClinGen allele CA345409526.